The following is an entry in ClinVar:

NM_005120.3(MED12):c.3781C>T (p.Arg1261Trp)

Gene: MED12 (mediator complex subunit 12; plus strand). Cytogenetic location: Xq13.1.
Variant type: single nucleotide variant.
Coding change: c.3781C>T on transcript NM_005120.3 (MANE Select); coding-DNA position 3781, C replaced by T.
Protein change: p.Arg1261Trp; replaces arginine 1261 with tryptophan.
Molecular consequence: missense variant.
Genome position (GRCh38, 1-based): chrX:71,129,769, C>T. VCF-style: chrX-71129769-C-T. GRCh37 (hg19) VCF-style: chrX-70349619-C-T.
Other names: short protein forms R1261W.
Identifiers: ClinVar variation 1946106 (VCV001946106.5), dbSNP rs2092312257, ClinGen allele CA413522429.

ClinVar aggregate classification (germline): Uncertain significance (1 of 4 stars; one submission).

Conditions:
FG syndrome (FGS). Identifiers: MedGen C0220769, MONDO:0002010.

Allele frequency attached by ClinVar (database versions not stated): gnomAD exomes below 0.00001; TOPMed 0.00001.
gnomAD v4.1: 1 of 1,208,860 alleles (0.000083%); highest among the groups gnomAD compares: East Asian, 0.003%; no homozygotes.

Submission:

Labcorp Genetics (formerly Invitae), Labcorp
Classification: Uncertain significance for FG syndrome. Last evaluated: 2022-03-10. Review status: criteria provided, single submitter. Criteria: Invitae Variant Classification Sherloc (09022015). Collection method: clinical testing. Allele origin: germline.
Comment: Advanced modeling of protein sequence and biophysical properties (such as structural, functional, and spatial information, amino acid conservation, physicochemical variation, residue mobility, and thermodynamic stability) performed at Invitae indicates that this missense variant is not expected to disrupt MED12 protein function. This variant has not been reported in the literature in individuals affected with MED12-related conditions. This variant is not present in population databases (gnomAD no frequency). This sequence change replaces arginine, which is basic and polar, with tryptophan, which is neutral and slightly polar, at codon 1261 of the MED12 protein (p.Arg1261Trp). In summary, the available evidence is currently insufficient to determine the role of this variant in disease. Therefore, it has been classified as a Variant of Uncertain Significance.